The following is an entry in ClinVar:

ClinVar aggregate classification (germline): Uncertain significance (1 of 4 stars; one submission).

Conditions:
TTC36-related tyrosinemia.

Submission:

Lupski Lab, Baylor-Hopkins CMG, Baylor College of Medicine
Classification: Uncertain significance for TTC36-related tyrosinemia. Last evaluated: 2026-11-06. Review status: criteria provided, single submitter. Criteria: ACMG Guidelines, 2015. Collection method: research. Allele origin: paternal. Inheritance: Autosomal recessive inheritance. Affected: yes. Observed: 2 variant alleles, 2 compound heterozygotes. Clinical features observed: Hypertyrosinemia (HP:0003231).
Comment: Identified by research long-read genome sequencing in compound heterozygous state with NM_001080441.4:c.353_370del p.(Arg118_Arg123del) in two siblings with persistent, isolated hypertyrosinemia and normal succinylacetone. Phase was confirmed by Sanger sequencing of the parents and long-read genome sequencing. This variant was inherited from the unaffected father and the in-frame deletion from the unaffected mother, consistent with autosomal recessive inheritance. Both siblings were ascertained through newborn screening followed by confirmatory biochemical testing, and remain clinically well on a protein-restricted diet. The variant is absent from gnomAD v4.1 and affects a highly conserved residue (phyloP100 7.35), with in silico predictions supporting a deleterious effect (CADD 29.6; AlphaMissense 0.94) (PM2_Supporting +1, PM3_Supporting +1)). TTC36 stabilizes 4-hydroxyphenylpyruvate dioxygenase (HPD), the enzyme deficient in tyrosinemia type III, and Ttc36-null mice develop elevated tyrosine without elevated succinylacetone (PMID: 31537781). TTC36 is not currently an established Mendelian disease gene; this variant is therefore classified as a variant of uncertain significance.

Literature cited by the submitters: PubMed 31537781.

NM_001080441.4(TTC36):c.512G>C (p.Cys171Ser)

Genes: TTC36 (tetratricopeptide repeat domain 36; plus strand), TTC36-AS1 (TTC36 and KMT2A antisense RNA 1; minus strand). Cytogenetic location: 11q23.3.
Variant type: single nucleotide variant.
Coding change: c.512G>C on transcript NM_001080441.4 (MANE Select); coding-DNA position 512, G replaced by C.
Protein change: p.Cys171Ser; replaces cysteine 171 with serine.
Molecular consequence: missense variant.
Genome position (GRCh38, 1-based): chr11:118,530,858, G>C. VCF-style: chr11-118530858-G-C. GRCh37 (hg19) VCF-style: chr11-118401573-G-C.
Other names: c.335G>C, p.Cys112Ser (NM_001346096.2, NM_001346097.2); c.236G>C, p.Cys79Ser (NM_001346098.2); short protein forms C112S, C171S, C79S.
Identifiers: ClinVar variation 5043382 (VCV005043382.1).
Genomic context (GRCh38, chr11:118,530,858, plus strand): 5'-GGCTGGGCAGCCCCTTCGCGCGGCGCCAGCTGGTGCTGCTCAACCCCTACGCCGCGCTGT[G>C]CAACCGCATGCTGGCCGACATGATGGGGCAGCTGCGCCGCCCCCGTGACAGCCGCTGAGC-3'
Protein context (NP_001073910.1, residues 161-181): LVLLNPYAAL[Cys171Ser]NRMLADMMGQ